The following is an entry in ClinVar:

NM_000478.6(ALPL):c.1171C>A (p.Arg391Ser)

Gene: ALPL (alkaline phosphatase, biomineralization associated; plus strand). Cytogenetic location: 1p36.12.
Variant type: single nucleotide variant.
Coding change: c.1171C>A on transcript NM_000478.6 (MANE Select); coding-DNA position 1171, C replaced by A.
Protein change: p.Arg391Ser; replaces arginine 391 with serine.
Molecular consequence: missense variant.
Genome position (GRCh38, 1-based): chr1:21,575,906, C>A. VCF-style: chr1-21575906-C-A. GRCh37 (hg19) VCF-style: chr1-21902399-C-A.
Other names: c.1006C>A, p.Arg336Ser (NM_001127501.4); c.940C>A, p.Arg314Ser (NM_001177520.3); c.1171C>A, p.Arg391Ser (NM_001369803.2, NM_001369804.2, NM_001369805.2); short protein forms R336S, R391S, R314S.
Identifiers: ClinVar variation 2851216 (VCV002851216.3), dbSNP rs371243939, ClinGen allele CA338881482.

ClinVar aggregate classification (germline): Likely pathogenic (1 of 4 stars; one submission).

Submission:

Labcorp Genetics (formerly Invitae), Labcorp
Classification: Likely pathogenic. Last evaluated: 2023-03-31. Review status: criteria provided, single submitter. Criteria: Invitae Variant Classification Sherloc (09022015). Collection method: clinical testing. Allele origin: germline.
Comment: In summary, the currently available evidence indicates that the variant is pathogenic, but additional data are needed to prove that conclusively. Therefore, this variant has been classified as Likely Pathogenic. This sequence change replaces arginine, which is basic and polar, with serine, which is neutral and polar, at codon 391 of the ALPL protein (p.Arg391Ser). This variant is not present in population databases (gnomAD no frequency). This variant has not been reported in the literature in individuals affected with ALPL-related conditions. Advanced modeling of protein sequence and biophysical properties (such as structural, functional, and spatial information, amino acid conservation, physicochemical variation, residue mobility, and thermodynamic stability) performed at Invitae indicates that this missense variant is expected to disrupt ALPL protein function. This variant disrupts the p.Arg391 amino acid residue in ALPL. Other variant(s) that disrupt this residue have been determined to be pathogenic (PMID: 10332035, 17719863, 22397652, 29159075, 29354166). This suggests that this residue is clinically significant, and that variants that disrupt this residue are likely to be disease-causing.

Literature cited by the submitters: PubMed 10332035; PubMed 17719863; PubMed 22397652; PubMed 29159075; PubMed 29354166.